The following is an entry in ClinVar:

NM_194302.4(CFAP65):c.1173C>T (p.Pro391=)

Gene: CFAP65 (cilia and flagella associated protein 65; minus strand). Cytogenetic location: 2q35.
Variant type: single nucleotide variant.
Coding change: c.1173C>T on transcript NM_194302.4 (MANE Select); coding-DNA position 1173, C replaced by T.
Protein change: p.Pro391=; no amino-acid change (proline 391 retained).
Molecular consequence: synonymous variant.
Genome position (GRCh38, 1-based): chr2:219,030,197, G>A on the plus strand (C>T on the coding strand, the complement: CFAP65 is on the minus strand). VCF-style: chr2-219030197-G-A. GRCh37 (hg19) VCF-style: chr2-219894919-G-A.
Other names: c.1140C>T, p.Pro380= (NM_001278295.1); c.978C>T, p.Pro326= (NM_001278296.2).
Identifiers: ClinVar variation 2651909 (VCV002651909.24), dbSNP rs770661621, ClinGen allele CA2116055.

ClinVar aggregate classification (germline): Likely benign (1 of 4 stars; one submission).

Allele frequency attached by ClinVar (database versions not stated): ExAC 0.00019; TOPMed 0.00019; gnomAD 0.00022; gnomAD exomes 0.00027.
gnomAD v4.1: 424 of 1,613,994 alleles (0.026%); highest among the groups gnomAD compares: Non-Finnish European, 0.034%; no homozygotes.

Submission:

CeGaT Center for Human Genetics Tuebingen
Classification: Likely benign. Last evaluated: 2022-07-01. Review status: criteria provided, single submitter. Criteria: CeGaT Center For Human Genetics Tuebingen Variant Classification Criteria Version 2. Collection method: clinical testing. Allele origin: germline. Affected: yes. Observed: 1 variant allele.
Comment: CFAP65: BP4, BP7